The following is an entry in ClinVar:

ClinVar aggregate classification (germline): Pathogenic/Likely pathogenic. Review status: criteria provided, multiple submitters, no conflicts (2 of 4 stars). 6 submissions from 6 submitters: Pathogenic (1); Likely pathogenic (4). 1 of the submissions does not count toward it. Last evaluated 2025-09-03.

Conditions:
NPC1-related disorder. Also called: NPC1-related condition.
Niemann-Pick disease, type C1. Also called: NEUROVISCERAL STORAGE DISEASE WITH VERTICAL SUPRANUCLEAR OPHTHALMOPLEGIA; NIEMANN-PICK DISEASE WITH CHOLESTEROL ESTERIFICATION BLOCK; NIEMANN-PICK DISEASE WITHOUT SPHINGOMYELINASE DEFICIENCY; NIEMANN-PICK DISEASE, CHRONIC NEURONOPATHIC FORM; NIEMANN-PICK DISEASE, VARIANT TYPE C1. Identifiers: Orphanet 646, MedGen C3179455, MONDO:0009757, OMIM 257220.

Allele frequency attached by ClinVar (database versions not stated): gnomAD 0.00001; gnomAD exomes 0.00001 and 0.00002; TOPMed 0.00002; ExAC 0.00003.
gnomAD v4.1: 10 of 1,613,842 alleles (0.00062%); highest among the groups gnomAD compares: Admixed American, 0.0033%; no homozygotes.

Submissions (6):

3billion
Classification: Likely pathogenic for NPC1-related disorder. Last evaluated: 2025-09-03. Review status: criteria provided, single submitter. Criteria: ACMG Guidelines, 2015. Collection method: clinical testing. Allele origin: germline. Affected: yes.
Comment: The variant is observed at an extremely low frequency in the gnomAD v4.1.0 dataset (total allele frequency: <0.001%). Predicted Consequence/Location: The variant is located in a mutational hot spot and/or well-established functional domain in which established pathogenic variants have been reported (PMID: 11333381, 15774455). In silico tool predictions suggest damaging effect of the variant on gene or gene product [REVEL: 0.69 (>=0.6, sensitivity 0.68 and specificity 0.92)]. The same nucleotide change resulting in the same amino acid change has been previously reported to be associated with NPC1-related disorder (ClinVar ID: VCV000002968 /PMID: 11349231).Different missense changes at the same codon (p.Arg958Gly, p.Arg958Leu) have been reported to be associated with NPC1-related disorder (PMID: 11754101, 35086560). Therefore, this variant is classified as Likely pathogenic according to the recommendation of ACMG/AMP guideline.

Myriad Genetics, Inc.
Classification: Likely pathogenic for Niemann-Pick disease, type C1. Last evaluated: 2025-09-02. Review status: criteria provided, single submitter. Criteria: Myriad Autosomal Dominant, Autosomal Recessive and X-Linked Classification Criteria (2023). Collection method: clinical testing. Allele origin: unknown.
Comment: NM_000271.4(NPC1):c.2873G>A(R958Q) is a missense variant classified as likely pathogenic in the context of Niemann-Pick disease type C1. R958Q has been observed in cases with relevant disease (PMID: 11349231, 38730490, 17160617, 23433426, 38131230). Relevant functional assessments of this variant are available in the literature (PMID: 28193631, 31699992). R958Q has been observed in referenced population frequency databases. In summary, NM_000271.4(NPC1):c.2873G>A(R958Q) is a missense variant that has been observed more frequently in cases with the relevant disease than in healthy populations. Please note: this variant was assessed in the context of healthy population screening.

Labcorp Genetics (formerly Invitae), Labcorp
Classification: Likely pathogenic for Niemann-Pick disease, type C1. Last evaluated: 2024-05-22. Review status: criteria provided, single submitter. Criteria: Invitae Variant Classification Sherloc (09022015). Collection method: clinical testing. Allele origin: germline.
Comment: This sequence change replaces arginine, which is basic and polar, with glutamine, which is neutral and polar, at codon 958 of the NPC1 protein (p.Arg958Gln). This variant is present in population databases (rs120074132, gnomAD 0.006%). This missense change has been observed in individual(s) with Niemann-Pick disease type C (PMID: 11349231). ClinVar contains an entry for this variant (Variation ID: 2968). Advanced modeling of protein sequence and biophysical properties (such as structural, functional, and spatial information, amino acid conservation, physicochemical variation, residue mobility, and thermodynamic stability) performed at Invitae indicates that this missense variant is expected to disrupt NPC1 protein function with a positive predictive value of 95%. This variant disrupts the p.Arg958 amino acid residue in NPC1. Other variant(s) that disrupt this residue have been observed in individuals with NPC1-related conditions (PMID: 11754101, 35086560), which suggests that this may be a clinically significant amino acid residue. In summary, the currently available evidence indicates that the variant is pathogenic, but additional data are needed to prove that conclusively. Therefore, this variant has been classified as Likely Pathogenic.

Foundation for Research in Genetics and Endocrinology, FRIGE's Institute of Human Genetics
Classification: Pathogenic for Niemann-Pick disease, type C1. Last evaluated: 2022-08-08. Review status: criteria provided, single submitter. Criteria: ACMG Guidelines, 2015. Collection method: clinical testing. Allele origin: germline. Inheritance: Autosomal recessive inheritance. Affected: yes. Observed: 1 compound heterozygote.
Comment: A compound heterozygous missense variation in exon 19 of the NPC1 gene that results in the amino acid substitution of Glutamine for Arginine at codon 958 was detected. The observed variant c.2873G>A (p.Arg958Gln) has not been reported in the 1000 genomes and has a MAF of 0.0002% and 0.001% in the gnomAD databases . The in silico prediction of the variant are possibly damaging by Mutation Taster, DANN, LRT, and SIFT. The reference codon is conserved across species.

Blueprint Genetics
Classification: Likely pathogenic for NPC1-related disorders. Last evaluated: 2019-06-11. Review status: criteria provided, single submitter. Criteria: ACMG Guidelines, 2015. Collection method: clinical testing. Allele origin: germline. Affected: yes. Observed: 1 variant allele.

OMIM
Classification: Pathogenic for NIEMANN-PICK DISEASE, VARIANT TYPE C1. Last evaluated: 2001-06-01. Review status: no assertion criteria provided. Collection method: literature only. Allele origin: germline. Not counted in ClinVar's aggregate classification.

Literature cited by the submitters: PubMed 11349231 (cited by 4 submitters); PubMed 11754101 (cited by 3billion and Labcorp Genetics (formerly Invitae), Labcorp); PubMed 17160617 (cited by Myriad Genetics, Inc.); PubMed 23433426 (cited by Myriad Genetics, Inc.); PubMed 28193631 (cited by Myriad Genetics, Inc.); PubMed 31699992 (cited by Myriad Genetics, Inc.); PubMed 38131230 (cited by Myriad Genetics, Inc.); PubMed 38730490 (cited by Myriad Genetics, Inc.); PubMed 35086560 (cited by Labcorp Genetics (formerly Invitae), Labcorp).

NM_000271.5(NPC1):c.2873G>A (p.Arg958Gln)

Gene: NPC1 (NPC intracellular cholesterol transporter 1; minus strand). Cytogenetic location: 18q11.2.
Variant type: single nucleotide variant.
Coding change: c.2873G>A on transcript NM_000271.5 (MANE Select); coding-DNA position 2873, G replaced by A.
Protein change: p.Arg958Gln; replaces arginine 958 with glutamine.
Molecular consequence: missense variant.
Genome position (GRCh38, 1-based): chr18:23,539,393, C>T on the plus strand (G>A on the coding strand, the complement: NPC1 is on the minus strand). VCF-style: chr18-23539393-C-T. GRCh37 (hg19) VCF-style: chr18-21119357-C-T.
Other names: short protein forms R958Q.
Identifiers: ClinVar variation 2968 (VCV000002968.19), dbSNP rs120074132, ClinGen allele CA252498.
Genomic context (GRCh38, chr18:23,539,393, plus strand): 5'-GATTTGGTAAAGGAGAAGGTACCTGAAGCATTGCAGAACTGGTCAGTGATATTGTCCACT[C>T]GACAGCAAGACGACTGTGGCTTCACCCAGTCGAAATAATCGTCGATCCAGGACGAGGGGG-3'
Protein context (NP_000262.2, residues 948-968): DWVKPQSSCC[Arg958Gln]VDNITDQFCN